The following is an entry in ClinVar:

ClinVar aggregate classification (germline): Uncertain significance (1 of 4 stars; one submission).

Conditions:
Familial adenomatous polyposis 1 (FAP1). Also called: FAMILIAL ADENOMATOUS POLYPOSIS 1, ATTENUATED; POLYPOSIS, ADENOMATOUS INTESTINAL. Identifiers: MedGen C2713442, MONDO:0021056, OMIM 175100. Disease mechanism: loss of function.

Submission:

Labcorp Genetics (formerly Invitae), Labcorp
Classification: Uncertain significance for Familial adenomatous polyposis 1. Last evaluated: 2019-08-20. Review status: criteria provided, single submitter. Criteria: Invitae Variant Classification Sherloc (09022015). Collection method: clinical testing. Allele origin: germline.
Comment: In summary, the available evidence is currently insufficient to determine the role of this variant in disease. Therefore, it has been classified as a Variant of Uncertain Significance. Algorithms developed to predict the effect of missense changes on protein structure and function (SIFT, PolyPhen-2, Align-GVGD) all suggest that this variant is likely to be disruptive, but these predictions have not been confirmed by published functional studies and their clinical significance is uncertain. This sequence change replaces serine with tyrosine at codon 340 of the APC protein (p.Ser340Tyr). The serine residue is highly conserved and there is a large physicochemical difference between serine and tyrosine. This variant is not present in population databases (ExAC no frequency). This variant has not been reported in the literature in individuals with APC-related disease.

NM_000038.6(APC):c.1019C>A (p.Ser340Tyr)

Gene: APC (APC regulator of Wnt signaling pathway; plus strand). Cytogenetic location: 5q22.2.
Variant type: single nucleotide variant.
Coding change: c.1019C>A on transcript NM_000038.6 (MANE Select); coding-DNA position 1019, C replaced by A.
Protein change: p.Ser340Tyr; replaces serine 340 with tyrosine.
Molecular consequence: missense variant. On other transcripts: intron variant (4).
Genome position (GRCh38, 1-based): chr5:112,819,051, C>A. VCF-style: chr5-112819051-C-A. GRCh37 (hg19) VCF-style: chr5-112154748-C-A.
Other names: c.1019C>A, p.Ser340Tyr (NM_001127510.3, NM_001354895.2, NM_001354896.2); c.965C>A, p.Ser322Tyr (NM_001127511.3); c.1049C>A, p.Ser350Tyr (NM_001354897.2); c.944C>A, p.Ser315Tyr (NM_001354898.2); c.935C>A, p.Ser312Tyr (NM_001354899.2); c.842C>A, p.Ser281Tyr (NM_001354900.2, NM_001354901.2); c.170C>A, p.Ser57Tyr (NM_001354906.2); c.964-218C>A (NM_001354902.2); and 3 more; short protein forms S312Y, S315Y, S322Y, S340Y, S350Y, S281Y, S57Y.
Identifiers: ClinVar variation 646489 (VCV000646489.12), dbSNP rs1580528320, ClinGen allele CA16023540.